The following is an entry in ClinVar:

ClinVar aggregate classification (germline): Conflicting classifications of pathogenicity. Review status: criteria provided, conflicting classifications (1 of 4 stars). 2 submissions from 2 submitters: Uncertain significance (1); Likely benign (1). Last evaluated 2025-08-05.

Conditions:
Hereditary cancer-predisposing syndrome. Also called: Hereditary neoplastic syndrome; Tumor predisposition; Neoplastic Syndromes, Hereditary; Hereditary Cancer Syndrome. Identifiers: Orphanet 140162, MedGen C0027672, MeSH D009386, MONDO:0015356.

Submissions (2):

Ambry Genetics
Classification: Likely benign for Hereditary cancer-predisposing syndrome. Last evaluated: 2025-08-05. Review status: criteria provided, single submitter. Criteria: Ambry Variant Classification Scheme 2023. Collection method: clinical testing. Allele origin: germline.

Labcorp Genetics (formerly Invitae), Labcorp
Classification: Uncertain significance. Last evaluated: 2024-06-24. Review status: criteria provided, single submitter. Criteria: Invitae Variant Classification Sherloc (09022015). Collection method: clinical testing. Allele origin: germline.
Comment: This sequence change replaces aspartic acid, which is acidic and polar, with asparagine, which is neutral and polar, at codon 1011 of the POLE protein (p.Asp1011Asn). This variant is not present in population databases (gnomAD no frequency). This variant has not been reported in the literature in individuals affected with POLE-related conditions. ClinVar contains an entry for this variant (Variation ID: 654899). Advanced modeling of protein sequence and biophysical properties (such as structural, functional, and spatial information, amino acid conservation, physicochemical variation, residue mobility, and thermodynamic stability) performed at Invitae indicates that this missense variant is not expected to disrupt POLE protein function with a negative predictive value of 80%. In summary, the available evidence is currently insufficient to determine the role of this variant in disease. Therefore, it has been classified as a Variant of Uncertain Significance.

NM_006231.4(POLE):c.3031G>A (p.Asp1011Asn)

Gene: POLE (DNA polymerase epsilon, catalytic subunit; minus strand). Cytogenetic location: 12q24.33.
Variant type: single nucleotide variant.
Coding change: c.3031G>A on transcript NM_006231.4 (MANE Select); coding-DNA position 3031, G replaced by A.
Protein change: p.Asp1011Asn; replaces aspartic acid 1011 with asparagine.
Molecular consequence: missense variant.
Genome position (GRCh38, 1-based): chr12:132,660,998, C>T on the plus strand (G>A on the coding strand, the complement: POLE is on the minus strand). VCF-style: chr12-132660998-C-T. GRCh37 (hg19) VCF-style: chr12-133237584-C-T.
Other names: c.3031G>A (NM_006231.2); short protein forms D1011N.
Identifiers: ClinVar variation 654899 (VCV000654899.9), dbSNP rs1593775859, ClinGen allele CA387392248.